The following is an entry in ClinVar:

ClinVar aggregate classification (germline): Uncertain significance (1 of 4 stars; one submission).

gnomAD v4.1: 4 of 1,551,510 alleles (0.00026%); highest among the groups gnomAD compares: Non-Finnish European, 0.00017%; no homozygotes.

Submission:

Labcorp Genetics (formerly Invitae), Labcorp
Classification: Uncertain significance. Last evaluated: 2025-10-17. Review status: criteria provided, single submitter. Criteria: Invitae Variant Classification Sherloc (09022015). Collection method: clinical testing. Allele origin: germline.
Comment: This sequence change replaces valine, which is neutral and non-polar, with leucine, which is neutral and non-polar, at codon 384 of the GREB1L protein (p.Val384Leu). This variant is not present in population databases (gnomAD no frequency). This variant has not been reported in the literature in individuals affected with GREB1L-related conditions. An algorithm developed to predict the effect of missense changes on protein structure and function (PolyPhen-2) suggests that this variant is likely to be tolerated. In summary, the available evidence is currently insufficient to determine the role of this variant in disease. Therefore, it has been classified as a Variant of Uncertain Significance.

NM_001142966.3(GREB1L):c.1150G>C (p.Val384Leu)

Genes: GREB1L-AS1 (GREB1L antisense RNA 1; minus strand), GREB1L (GREB1 like retinoic acid receptor coactivator; plus strand). Cytogenetic location: 18q11.1.
Variant type: single nucleotide variant.
Coding change: c.1150G>C on transcript NM_001142966.3 (MANE Select); coding-DNA position 1150, G replaced by C.
Protein change: p.Val384Leu; replaces valine 384 with leucine.
Molecular consequence: missense variant.
Genome position (GRCh38, 1-based): chr18:21,441,480, G>C. VCF-style: chr18-21441480-G-C. GRCh37 (hg19) VCF-style: chr18-19021441-G-C.
Other names: c.1279G>C, p.Val427Leu (NM_001410867.1); c.1150G>C, p.Val384Leu (NM_001410868.1); short protein forms V384L, V427L.
Identifiers: ClinVar variation 4729409 (VCV004729409.1).